The following is an entry in ClinVar:

NM_001458.5(FLNC):c.1576C>T (p.Arg526Trp)

Gene: FLNC (filamin C; plus strand). Cytogenetic location: 7q32.1.
Variant type: single nucleotide variant.
Coding change: c.1576C>T on transcript NM_001458.5 (MANE Select); coding-DNA position 1576, C replaced by T.
Protein change: p.Arg526Trp; replaces arginine 526 with tryptophan.
Molecular consequence: missense variant.
Genome position (GRCh38, 1-based): chr7:128,840,574, C>T. VCF-style: chr7-128840574-C-T. GRCh37 (hg19) VCF-style: chr7-128480628-C-T.
Other names: c.1576C>T, p.Arg526Trp (NM_001127487.2); short protein forms R526W.
Identifiers: ClinVar variation 471980 (VCV000471980.16), dbSNP rs758758113, ClinGen allele CA4474402.
Genomic context (GRCh38, chr7:128,840,574, plus strand): 5'-TGCCTTCTTCCCCACCCTGCCCCCATCTCCTCAGAGGGCACAGAGGAGCCAGTGAAGGTG[C>T]GGGAGGCTGGGGATGGTGTGTTCGAGTGCGAGTACTACCCGGTGGTGCCTGGGAAGTATG-3'
Protein context (NP_001449.3, residues 516-536): PKGTEEPVKV[Arg526Trp]EAGDGVFECE

ClinVar aggregate classification (germline): Likely benign. Review status: criteria provided, multiple submitters, no conflicts (2 of 4 stars). 4 submissions from 4 submitters: Likely benign (4). Last evaluated 2026-01-06.

Conditions:
Myofibrillar myopathy 5. Also called: FILAMINOPATHY, AUTOSOMAL DOMINANT; Filaminopathy (type). Identifiers: Orphanet 171445, MedGen C1836050, MONDO:0012289, OMIM 609524.
Hypertrophic cardiomyopathy 26. Also called: Cardiomyopathy, familial hypertrophic, 26. Identifiers: Orphanet 75249, MedGen C4310749, MONDO:0014883, OMIM 617047.
Distal myopathy with posterior leg and anterior hand involvement. Also called: WILLIAMS DISTAL MYOPATHY. Identifiers: Orphanet 63273, MedGen C3279722, MONDO:0013550, OMIM 614065.
FLNC-related disorder. Also called: FLNC-related disorders; FLNC-related condition.
Cardiovascular phenotype. Identifiers: MedGen CN230736.

Allele frequency attached by ClinVar (database versions not stated): gnomAD 0.00003; TOPMed 0.00008; ExAC 0.00017; gnomAD exomes 0.00018.
gnomAD v4.1: 55 of 1,614,040 alleles (0.0034%); highest among the groups gnomAD compares: Admixed American, 0.077%; 1 homozygote.

Submissions (4):

Labcorp Genetics (formerly Invitae), Labcorp
Classification: Likely benign for Distal myopathy with posterior leg and anterior hand involvement; Myofibrillar myopathy 5; Hypertrophic cardiomyopathy 26. Last evaluated: 2026-01-06. Review status: criteria provided, single submitter. Criteria: Invitae Variant Classification Sherloc (09022015). Collection method: clinical testing. Allele origin: germline.

PreventionGenetics, part of Exact Sciences
Classification: Likely benign for FLNC-related condition. Last evaluated: 2025-07-16. Review status: criteria provided, single submitter. Criteria: ACMG Guidelines, 2015. Collection method: clinical testing. Allele origin: germline.
Comment: This variant is classified as likely benign based on ACMG/AMP sequence variant interpretation guidelines (Richards et al. 2015 PMID: 25741868, with internal and published modifications).

Ambry Genetics
Classification: Likely benign for Cardiovascular phenotype. Last evaluated: 2021-04-12. Review status: criteria provided, single submitter. Criteria: Ambry Variant Classification Scheme 2023. Collection method: clinical testing. Allele origin: germline.

Blueprint Genetics
Classification: Likely benign. Last evaluated: 2021-03-10. Review status: criteria provided, single submitter. Criteria: ACMG Guidelines, 2015. Collection method: clinical testing. Allele origin: germline.